The following is an entry in ClinVar:

ClinVar aggregate classification (germline): Uncertain significance (1 of 4 stars; one submission).

Conditions:
Baller-Gerold syndrome (BGS). Also called: CRANIOSYNOSTOSIS WITH RADIAL DEFECTS. Identifiers: Orphanet 1225, MedGen C0265308, MONDO:0009039, OMIM 218600.

Allele frequency attached by ClinVar (database versions not stated): gnomAD exomes below 0.00001.

Submission:

Labcorp Genetics (formerly Invitae), Labcorp
Classification: Uncertain significance for Baller-Gerold syndrome. Last evaluated: 2023-08-07. Review status: criteria provided, single submitter. Criteria: Invitae Variant Classification Sherloc (09022015). Collection method: clinical testing. Allele origin: germline.
Comment: In summary, the available evidence is currently insufficient to determine the role of this variant in disease. Therefore, it has been classified as a Variant of Uncertain Significance. Advanced modeling of protein sequence and biophysical properties (such as structural, functional, and spatial information, amino acid conservation, physicochemical variation, residue mobility, and thermodynamic stability) performed at Invitae indicates that this missense variant is not expected to disrupt RECQL4 protein function. This variant has not been reported in the literature in individuals affected with RECQL4-related conditions. This variant is not present in population databases (gnomAD no frequency). This sequence change replaces alanine, which is neutral and non-polar, with threonine, which is neutral and polar, at codon 204 of the RECQL4 protein (p.Ala204Thr).

NM_004260.4(RECQL4):c.610G>A (p.Ala204Thr)

Gene: RECQL4 (RecQ like helicase 4; minus strand). Cytogenetic location: 8q24.3.
Variant type: single nucleotide variant.
Coding change: c.610G>A on transcript NM_004260.4 (MANE Select); coding-DNA position 610, G replaced by A.
Protein change: p.Ala204Thr; replaces alanine 204 with threonine.
Molecular consequence: missense variant. On other transcripts: 5 prime UTR variant (15), non-coding transcript variant (3), intron variant (3).
Genome position (GRCh38, 1-based): chr8:144,516,509, C>T on the plus strand (G>A on the coding strand, the complement: RECQL4 is on the minus strand). VCF-style: chr8-144516509-C-T. GRCh37 (hg19) VCF-style: chr8-145741893-C-T.
Other names: c.610G>A, p.Ala204Thr (NM_001413017.1, NM_001413018.1, NM_001413019.1 and 4 more transcripts); c.-462G>A (NM_001413022.1, NM_001413023.1, NM_001413024.1 and 5 more transcripts); c.481G>A, p.Ala161Thr (NM_001413025.1); c.-524G>A (NM_001413027.1, NM_001413030.1, NM_001413031.1 and 2 more transcripts); c.-366G>A (NM_001413034.1); c.-731G>A (NM_001413043.1); c.355-96G>A (NM_001413029.1); c.-366-96G>A (NM_001413021.1, NM_001413028.1); short protein forms A161T, A204T.
Identifiers: ClinVar variation 3021868 (VCV003021868.3), dbSNP rs879075324, ClinGen allele CA187689206.